The following is an entry in ClinVar:

NM_000368.5(TSC1):c.1603C>T (p.Pro535Ser)

Gene: TSC1 (TSC complex subunit 1; minus strand). Cytogenetic location: 9q34.13.
Variant type: single nucleotide variant.
Coding change: c.1603C>T on transcript NM_000368.5 (MANE Select); coding-DNA position 1603, C replaced by T.
Protein change: p.Pro535Ser; replaces proline 535 with serine.
Molecular consequence: missense variant. On other transcripts: non-coding transcript variant (5).
Genome position (GRCh38, 1-based): chr9:132,905,975, G>A on the plus strand (C>T on the coding strand, the complement: TSC1 is on the minus strand). VCF-style: chr9-132905975-G-A. GRCh37 (hg19) VCF-style: chr9-135781362-G-A.
Other names: c.1600C>T, p.Pro534Ser (NM_001406603.1, NM_001406604.1, NM_001406608.1 and 6 more transcripts); c.1603C>T, p.Pro535Ser (NM_001406605.1, NM_001406606.1, NM_001406607.1 and 7 more transcripts); c.1450C>T, p.Pro484Ser (NM_001406610.1, NM_001162427.2); c.1447C>T, p.Pro483Ser (NM_001406611.1, NM_001406612.1, NM_001406613.1); c.1240C>T, p.Pro414Ser (NM_001362177.2, NM_001406614.1, NM_001406615.1 and 5 more transcripts); c.1237C>T, p.Pro413Ser (NM_001406620.1, NM_001406621.1, NM_001406622.1 and 2 more transcripts); c.652C>T, p.Pro218Ser (NM_001406626.1); c.649C>T, p.Pro217Ser (NM_001406627.1, NM_001406628.1); and 1 more; short protein forms P217S, P484S, P218S, P414S, P534S, P184S, P483S, P413S.
Identifiers: ClinVar variation 3974578 (VCV003974578.1).

ClinVar aggregate classification (germline): Uncertain significance (1 of 4 stars; one submission).

Conditions:
Hereditary cancer-predisposing syndrome. Also called: Tumor predisposition; Hereditary neoplastic syndrome; Hereditary Cancer Syndrome; Neoplastic Syndromes, Hereditary. Identifiers: Orphanet 140162, MedGen C0027672, MeSH D009386, MONDO:0015356.

gnomAD v4.1: 1 of 1,614,138 alleles (0.000062%); highest among the groups gnomAD compares: Non-Finnish European, 0.000085%; no homozygotes.

Submission:

Ambry Genetics
Classification: Uncertain significance for Hereditary cancer-predisposing syndrome. Last evaluated: 2025-06-10. Review status: criteria provided, single submitter. Criteria: Ambry Variant Classification Scheme 2023. Collection method: clinical testing. Allele origin: germline.
Comment: The p.P535S variant (also known as c.1603C>T), located in coding exon 13 of the TSC1 gene, results from a C to T substitution at nucleotide position 1603. The proline at codon 535 is replaced by serine, an amino acid with similar properties. This amino acid position is conserved. In addition, this alteration is predicted to be tolerated by in silico analysis. Based on the available evidence, the clinical significance of this variant remains unclear.